The following is an entry in ClinVar:

ClinVar aggregate classification (germline): Benign/Likely benign. Review status: criteria provided, multiple submitters, no conflicts (2 of 4 stars). 3 submissions from 3 submitters: Benign (2); Likely benign (1). Last evaluated 2026-01-24.

Submissions (3):

Labcorp Genetics (formerly Invitae), Labcorp
Classification: Benign. Last evaluated: 2026-01-24. Review status: criteria provided, single submitter. Criteria: Invitae Variant Classification Sherloc (09022015). Collection method: clinical testing. Allele origin: germline.

Blueprint Genetics
Classification: Likely benign. Last evaluated: 2024-10-18. Review status: criteria provided, single submitter. Criteria: ACMG Guidelines, 2015. Collection method: clinical testing. Allele origin: germline.

GeneDx
Classification: Benign. Last evaluated: 2015-06-08. Review status: criteria provided, single submitter. Criteria: GeneDx Variant Classification (06012015). Collection method: clinical testing. Allele origin: germline. Affected: yes.
Comment: This variant is considered likely benign or benign based on one or more of the following criteria: it is a conservative change, it occurs at a poorly conserved position in the protein, it is predicted to be benign by multiple in silico algorithms, and/or has population frequency not consistent with disease.

NM_020117.11(LARS1):c.214-17del

Gene: LARS1 (leucyl-tRNA synthetase 1; minus strand). Cytogenetic location: 5q32.
Variant type: Deletion.
Coding change: c.214-17del on transcript NM_020117.11 (MANE Select); 17 bases into the intron before coding-DNA position 214, one base deleted (T; older notation c.214-17delT).
Molecular consequence: intron variant.
Genome position (GRCh38, 1-based): chr5:146,172,007, A deleted on the plus strand (T on the coding strand, the reverse complement: LARS1 is on the minus strand); the first of 3 consecutive A bases (chr5:146,172,007-146,172,009); deleting any one gives the same sequence. VCF-style (leftmost placement, unchanged base first): chr5-146172006-TA-T. GRCh37 (hg19) VCF-style: chr5-145551569-TA-T.
Other names: c.214-17delT (NM_020117.9); c.52-17del (NM_001317965.2); c.213+680del (NM_016460.4); c.214-17del (NM_001317964.2).
Identifiers: ClinVar variation 418281 (VCV000418281.6), dbSNP rs142668585, ClinGen allele CA3489995.